The following is an entry in ClinVar:

ClinVar aggregate classification (germline): Conflicting classifications of pathogenicity. Review status: criteria provided, conflicting classifications (1 of 4 stars). 3 submissions from 3 submitters: Uncertain significance (2); Likely benign (1). Last evaluated 2025-12-05.

Conditions:
GNB4-related disorder. Also called: GNB4-related condition.
Inborn genetic diseases. Identifiers: MedGen C0950123, MeSH D030342.
Charcot-Marie-Tooth disease dominant intermediate F. Identifiers: Orphanet 352670, MedGen C4749463, MONDO:0014074, OMIM 615185.

Allele frequency attached by ClinVar (database versions not stated): ExAC 0.00001; gnomAD exomes 0.00001; TOPMed 0.00003; gnomAD 0.00005.
gnomAD v4.1: 25 of 1,613,944 alleles (0.0015%); highest among the groups gnomAD compares: African/African-American, 0.012%; no homozygotes.

Submissions (3):

PreventionGenetics, part of Exact Sciences
Classification: Uncertain significance for GNB4-related condition. Last evaluated: 2025-12-05. Review status: criteria provided, single submitter. Criteria: ACMG Guidelines, 2015. Collection method: clinical testing. Allele origin: germline.
Comment: The GNB4 c.598G>A variant is predicted to result in the amino acid substitution p.Val200Ile. To our knowledge, this variant has not been reported in the literature. This variant is reported in 0.0080% of alleles in individuals of African descent in gnomAD. At this time, the clinical significance of this variant is uncertain due to the absence of conclusive functional and genetic evidence.

Ambry Genetics
Classification: Likely benign for Inborn genetic diseases. Last evaluated: 2023-12-05. Review status: criteria provided, single submitter. Criteria: Ambry Variant Classification Scheme 2023. Collection method: clinical testing. Allele origin: germline.

Labcorp Genetics (formerly Invitae), Labcorp
Classification: Uncertain significance for Charcot-Marie-Tooth disease dominant intermediate F. Last evaluated: 2023-11-19. Review status: criteria provided, single submitter. Criteria: Invitae Variant Classification Sherloc (09022015). Collection method: clinical testing. Allele origin: germline.
Comment: This sequence change replaces valine, which is neutral and non-polar, with isoleucine, which is neutral and non-polar, at codon 200 of the GNB4 protein (p.Val200Ile). This variant is present in population databases (rs775578986, gnomAD 0.008%). This variant has not been reported in the literature in individuals affected with GNB4-related conditions. ClinVar contains an entry for this variant (Variation ID: 577411). Advanced modeling of protein sequence and biophysical properties (such as structural, functional, and spatial information, amino acid conservation, physicochemical variation, residue mobility, and thermodynamic stability) performed at Invitae indicates that this missense variant is not expected to disrupt GNB4 protein function with a negative predictive value of 80%. In summary, the available evidence is currently insufficient to determine the role of this variant in disease. Therefore, it has been classified as a Variant of Uncertain Significance.

NM_021629.4(GNB4):c.598G>A (p.Val200Ile)

Gene: GNB4 (G protein subunit beta 4; minus strand). Cytogenetic location: 3q26.33.
Variant type: single nucleotide variant.
Coding change: c.598G>A on transcript NM_021629.4 (MANE Select); coding-DNA position 598, G replaced by A.
Protein change: p.Val200Ile; replaces valine 200 with isoleucine.
Molecular consequence: missense variant.
Genome position (GRCh38, 1-based): chr3:179,413,513, C>T on the plus strand (G>A on the coding strand, the complement: GNB4 is on the minus strand). VCF-style: chr3-179413513-C-T. GRCh37 (hg19) VCF-style: chr3-179131301-C-T.
Other names: short protein forms V200I.
Identifiers: ClinVar variation 577411 (VCV000577411.12), dbSNP rs775578986, ClinGen allele CA2712458.